The following is an entry in ClinVar:

ClinVar aggregate classification (germline): Uncertain significance (1 of 4 stars; one submission).

Submission:

Ambry Genetics
Classification: Uncertain significance. Last evaluated: 2022-03-03. Review status: criteria provided, single submitter. Criteria: Ambry Variant Classification Scheme 2023. Collection method: clinical testing. Allele origin: germline.
Comment: The p.M173V variant (also known as c.517A>G), located in coding exon 6 of the FAM175A gene, results from an A to G substitution at nucleotide position 517. The methionine at codon 173 is replaced by valine, an amino acid with highly similar properties. This amino acid position is conserved. In addition, the in silico prediction for this alteration is inconclusive. Since supporting evidence is limited at this time, the clinical significance of this alteration remains unclear.

NM_139076.3(ABRAXAS1):c.517A>G (p.Met173Val)

Gene: ABRAXAS1 (abraxas 1, BRCA1 A complex subunit; minus strand). Cytogenetic location: 4q21.23.
Variant type: single nucleotide variant.
Coding change: c.517A>G on transcript NM_139076.3 (MANE Select); coding-DNA position 517, A replaced by G.
Protein change: p.Met173Val; replaces methionine 173 with valine.
Molecular consequence: missense variant.
Genome position (GRCh38, 1-based): chr4:83,469,111, T>C on the plus strand (A>G on the coding strand, the complement: ABRAXAS1 is on the minus strand). VCF-style: chr4-83469111-T-C. GRCh37 (hg19) VCF-style: chr4-84390264-T-C.
Other names: c.190A>G, p.Met64Val (NM_001345962.2); short protein forms M173V, M64V.
Identifiers: ClinVar variation 1800004 (VCV001800004.2), dbSNP rs2529435425, ClinGen allele CA357259568.
Genomic context (GRCh38, chr4:83,469,111, plus strand): 5'-GGCTAAAACCAGTGGACATACAGGAACCTGATACAGTTTTATAACCCAGTTGTTCAGACA[T>C]GCCCAGATTGGCAACCACTAAAGGTACCCTGTGAAAAAGTCTGACAAAATAAAACTTTAG-3'
Protein context (NP_620775.2, residues 163-183): RVPLVVANLG[Met173Val]SEQLGYKTVS